The following is an entry in ClinVar:

NM_000135.4(FANCA):c.990C>G (p.His330Gln)

Gene: FANCA (FA complementation group A; minus strand). Cytogenetic location: 16q24.3.
Variant type: single nucleotide variant.
Coding change: c.990C>G on transcript NM_000135.4 (MANE Select); coding-DNA position 990, C replaced by G.
Protein change: p.His330Gln; replaces histidine 330 with glutamine.
Molecular consequence: missense variant.
Genome position (GRCh38, 1-based): chr16:89,795,922, G>C on the plus strand (C>G on the coding strand, the complement: FANCA is on the minus strand). VCF-style: chr16-89795922-G-C. GRCh37 (hg19) VCF-style: chr16-89862330-G-C.
Other names: c.990C>G, p.His330Gln (NM_001286167.3); short protein forms H330Q.
Identifiers: ClinVar variation 3848245 (VCV003848245.1).

ClinVar aggregate classification (germline): Uncertain significance (1 of 4 stars; one submission).

Conditions:
Inborn genetic diseases. Identifiers: MedGen C0950123, MeSH D030342.

Submission:

Ambry Genetics
Classification: Uncertain significance for Inborn genetic diseases. Last evaluated: 2025-02-16. Review status: criteria provided, single submitter. Criteria: Ambry Variant Classification Scheme 2023. Collection method: clinical testing. Allele origin: germline.
Comment: The p.H330Q variant (also known as c.990C>G), located in coding exon 11 of the FANCA gene, results from a C to G substitution at nucleotide position 990. The histidine at codon 330 is replaced by glutamine, an amino acid with highly similar properties. This amino acid position is conserved. In addition, this alteration is predicted to be tolerated by in silico analysis. Based on the available evidence, the clinical significance of this variant remains unclear.